The following is an entry in ClinVar:

ClinVar aggregate classification (germline): Uncertain significance (1 of 4 stars; one submission).

gnomAD v4.1: 1 of 1,611,268 alleles (0.000062%); highest among the groups gnomAD compares: South Asian, 0.0011%; no homozygotes.

Submission:

Labcorp Genetics (formerly Invitae), Labcorp
Classification: Uncertain significance. Last evaluated: 2024-05-27. Review status: criteria provided, single submitter. Criteria: Invitae Variant Classification Sherloc (09022015). Collection method: clinical testing. Allele origin: germline.
Comment: This sequence change creates a premature translational stop signal (p.Tyr1133*) in the RBP3 gene. While this is not anticipated to result in nonsense mediated decay, it is expected to disrupt the last 115 amino acid(s) of the RBP3 protein. This variant is present in population databases (no rsID available, gnomAD 0.003%). This variant has not been reported in the literature in individuals affected with RBP3-related conditions. Experimental studies and prediction algorithms are not available or were not evaluated, and the functional significance of this variant is currently unknown. This variant disrupts a region of the RBP3 protein in which other variant(s) (p.Arg1163Trp) have been observed in individuals with RBP3-related conditions (Invitae). This suggests that this is a clinically significant region of the protein, and that variants that disrupt it are likely to be disease-causing. In summary, the available evidence is currently insufficient to determine the role of this variant in disease. Therefore, it has been classified as a Variant of Uncertain Significance.

NM_002900.3(RBP3):c.3399T>G (p.Tyr1133Ter)

Gene: RBP3 (retinol binding protein 3; plus strand). Cytogenetic location: 10q11.22.
Variant type: single nucleotide variant.
Coding change: c.3399T>G on transcript NM_002900.3 (MANE Select); coding-DNA position 3399, T replaced by G.
Protein change: p.Tyr1133Ter; replaces tyrosine 1133 with a stop codon.
Molecular consequence: nonsense.
Genome position (GRCh38, 1-based): chr10:47,357,112, T>G. VCF-style: chr10-47357112-T-G. GRCh37 (hg19) VCF-style: chr10-48382250-A-C.
Other names: short protein forms Y1133*.
Identifiers: ClinVar variation 3675731 (VCV003675731.2).